The following is an entry in ClinVar:

NM_000138.5(FBN1):c.1547G>A (p.Arg516Gln)

Gene: FBN1 (fibrillin 1; minus strand). Cytogenetic location: 15q21.1.
Variant type: single nucleotide variant.
Coding change: c.1547G>A on transcript NM_000138.5 (MANE Select); coding-DNA position 1547, G replaced by A.
Protein change: p.Arg516Gln; replaces arginine 516 with glutamine.
Molecular consequence: missense variant.
Genome position (GRCh38, 1-based): chr15:48,513,590, C>T on the plus strand (G>A on the coding strand, the complement: FBN1 is on the minus strand). VCF-style: chr15-48513590-C-T. GRCh37 (hg19) VCF-style: chr15-48805787-C-T.
Other names: p.Arg516Gln; short protein forms R516Q.
Identifiers: ClinVar variation 190266 (VCV000190266.22), dbSNP rs775489067, ClinGen allele CA044927.

ClinVar aggregate classification (germline): Conflicting classifications of pathogenicity. Review status: criteria provided, conflicting classifications (1 of 4 stars). 10 submissions from 10 submitters: Uncertain significance (8); Likely benign (1). 1 of the submissions does not count toward it. Last evaluated 2026-05-04.

Conditions:
Marfan syndrome (MFS). Also called: Marfan syndrome, classic; FBN1-Related Marfan Syndrome; Marfan syndrome type 1; Marfan's syndrome; MARFAN SYNDROME, TYPE I. Identifiers: Orphanet 284963, Orphanet 558, MedGen C0024796, MONDO:0007947, OMIM 154700.
MASS syndrome (OCTD). Also called: OVERLAP CONNECTIVE TISSUE DISEASE; MASS PHENOTYPE. Identifiers: MedGen C1858556, MONDO:0011431, OMIM 604308.
Weill-Marchesani syndrome 2, dominant. Also called: Weill-Marchesani Syndrome, Autosomal Dominant; FBN1-Related Weill-Marchesani Syndrome. Identifiers: Orphanet 2084, MedGen C1869115, MONDO:0012013, OMIM 608328.
Acromicric dysplasia (ACMICD). Also called: Acromicric skeletal dysplasia. Identifiers: Orphanet 969, MedGen C0265287, MONDO:0007055, OMIM 102370.
Ectopia lentis 1, isolated, autosomal dominant (ECTOL1). Identifiers: Orphanet 1885, MedGen C3541518, MONDO:0007514, OMIM 129600.
Stiff skin syndrome (SSKS). Identifiers: Orphanet 2833, MedGen C1861456, MONDO:0008492, OMIM 184900.
Geleophysic dysplasia 2 (GPHYSD2). Identifiers: Orphanet 2623, MedGen C3280054, MONDO:0013612, OMIM 614185.
Progeroid and marfanoid aspect-lipodystrophy syndrome. Also called: MARFANOID-PROGEROID SYNDROME; MARFAN-PROGEROID-LIPODYSTROPHY SYNDROME; Marfan lipodystrophy syndrome; MARFANOID-PROGEROID-LIPODYSTROPHY SYNDROME. Identifiers: Orphanet 300382, MedGen C4310796, MONDO:0014831, OMIM 616914.
Familial thoracic aortic aneurysm and aortic dissection (TAAD). Also called: Thoracic aortic aneurysms and dissections. Identifiers: Orphanet 91387, MedGen C4707243, MONDO:0019625.
Hirschsprung disease, susceptibility to, 1 (HSCR1). Also called: RET-Related Hirschsprung Disease. Identifiers: Orphanet 388, MedGen C3888239, MONDO:0007723, OMIM 142623.
FBN1-related disorder. Also called: FBN1-related disorders.

Allele frequency attached by ClinVar (database versions not stated): gnomAD exomes 0.00002; ExAC 0.00001; TOPMed 0.00002; gnomAD 0.00002.
gnomAD v4.1: 37 of 1,613,856 alleles (0.0023%); highest among the groups gnomAD compares: Admixed American, 0.012%; no homozygotes.

Submissions (10):

PreventionGenetics, part of Exact Sciences
Classification: Uncertain significance for FBN1-related condition. Last evaluated: 2026-05-04. Review status: criteria provided, single submitter. Criteria: ACMG Guidelines, 2015. Collection method: clinical testing. Allele origin: germline.
Comment: The FBN1 c.1547G>A variant is predicted to result in the amino acid substitution p.Arg516Gln. This variant has been reported in two family members with Hirschsprung disease, however additional variants were also reported and an unaffected family member also carried the FBN1 c.1547G>A variant (S2 Table, Luzón-Toro et al. 2015. PubMed ID: 26559152). This variant is reported in 0.012% of alleles in individuals of Latino descent in gnomAD. Although we suspect that this variant may be benign, at this time, the clinical significance of this variant is uncertain due to the absence of conclusive functional and genetic evidence.

Labcorp Genetics (formerly Invitae), Labcorp
Classification: Likely benign for Marfan syndrome; Familial thoracic aortic aneurysm and aortic dissection. Last evaluated: 2026-01-06. Review status: criteria provided, single submitter. Criteria: Invitae Variant Classification Sherloc (09022015). Collection method: clinical testing. Allele origin: germline.

Blueprint Genetics
Classification: Uncertain significance. Last evaluated: 2024-06-26. Review status: criteria provided, single submitter. Criteria: ACMG Guidelines, 2015. Collection method: clinical testing. Allele origin: germline.

All of Us Research Program, National Institutes of Health
Classification: Uncertain significance for Marfan syndrome. Last evaluated: 2023-12-13. Review status: criteria provided, single submitter. Criteria: ACMG Guidelines, 2015. Collection method: clinical testing. Allele origin: germline. Inheritance: Autosomal dominant inheritance. Observed: 10 variant alleles, 10 heterozygotes.
Comment: This missense variant replaces arginine with glutamine at codon 516 of the FBN1 protein. Computational prediction suggests that this variant may not impact protein structure and function (internally defined REVEL score threshold <= 0.5, PMID: 27666373). To our knowledge, functional studies have not been performed for this variant. This variant has not been reported in individuals affected with cardiovascular disorders in the literature. This variant has been identified in 5/251318 chromosomes in the general population by the Genome Aggregation Database (gnomAD). The available evidence is insufficient to determine the role of this variant in disease conclusively. Therefore, this variant is classified as a Variant of Uncertain Significance.

This study involves interpretation of variants in research participants for the purpose of population health screening. Participant phenotype was not available at the time of variant classification. Additional details can be found in publication PMID: 35346344, PMCID: PMC8962531

Color Diagnostics, LLC DBA Color Health
Classification: Uncertain significance for Familial thoracic aortic aneurysm and aortic dissection. Last evaluated: 2023-07-07. Review status: criteria provided, single submitter. Criteria: ACMG Guidelines, 2015. Collection method: clinical testing. Allele origin: germline.
Comment: This missense variant replaces arginine with glutamine at codon 516 of the FBN1 protein. Computational prediction suggests that this variant may not impact protein structure and function (internally defined REVEL score threshold <= 0.5, PMID: 27666373). To our knowledge, functional studies have not been reported for this variant. This variant has not been reported in individuals affected with FBN1-related disorders in the literature. This variant has been identified in 5/251318 chromosomes in the general population by the Genome Aggregation Database (gnomAD). The available evidence is insufficient to determine the role of this variant in disease conclusively. Therefore, this variant is classified as a Variant of Uncertain Significance.

GeneDx
Classification: Uncertain significance. Last evaluated: 2023-03-02. Review status: criteria provided, single submitter. Criteria: GeneDx Variant Classification Process June 2021. Collection method: clinical testing. Allele origin: germline. Affected: yes.
Comment: Has been reported in association with Hirschprung disease in a family who also carried additional variants in other genes (Luzon-Toro et al., 2015); Not observed at a significant frequency in large population cohorts (gnomAD); Although located in a calcium-binding EGF-like domain of the FBN1 gene, it does not affect a cysteine residue within this domain; cysteine substitutions in the calcium-binding EGF-like domains represent the majority of pathogenic missense changes associated with FBN1-related disorders (Collod-Beroud et al., 2003); In silico analysis supports that this missense variant does not alter protein structure/function; This variant is associated with the following publications: (PMID: 26559152)

Mayo Clinic Laboratories, Mayo Clinic
Classification: Uncertain significance. Last evaluated: 2023-02-15. Review status: criteria provided, single submitter. Criteria: ACMG Guidelines, 2015. Collection method: clinical testing. Allele origin: germline. Observed: 1 variant allele.
Comment: BS1, PP2

Women's Health and Genetics/Laboratory Corporation of America, LabCorp
Classification: Uncertain significance. Last evaluated: 2023-02-06. Review status: criteria provided, single submitter. Criteria: LabCorp Variant Classification Summary - May 2015. Collection method: clinical testing. Allele origin: germline.
Comment: Variant summary: FBN1 c.1547G>A (p.Arg516Gln) results in a conservative amino acid change located in the EGF-like domain (IPR000742) of the encoded protein sequence. Four of five in-silico tools predict a benign effect of the variant on protein function. The variant allele was found at a frequency of 2e-05 in 251318 control chromosomes (gnomAD). The available data on variant occurrences in the general population are insufficient to allow any conclusion about variant significance. c.1547G>A has been reported in the literature in two individuals from one family affected with Hirschsprung disease and the un-affected mother (example: Luzon-Toro_2015). These report(s) do not provide unequivocal conclusions about association of the variant with Marfan Syndrome. To our knowledge, no experimental evidence demonstrating an impact on protein function has been reported. Five clinical diagnostic laboratories have submitted clinical-significance assessments for this variant to ClinVar after 2014 and all laboratories classified the variant as uncertain significance. Based on the evidence outlined above, the variant was classified as uncertain significance.

Fulgent Genetics
Classification: Uncertain significance for Acromicric dysplasia; Ectopia lentis 1, isolated, autosomal dominant; Marfan syndrome; Stiff skin syndrome; MASS syndrome; Weill-Marchesani syndrome 2, dominant; Geleophysic dysplasia 2; Progeroid and marfanoid aspect-lipodystrophy syndrome. Last evaluated: 2021-09-20. Review status: criteria provided, single submitter. Criteria: ACMG Guidelines, 2015. Collection method: clinical testing. Allele origin: unknown.

Department of Genetics, Reproduction and Fetal Medicine., Institute of Biomedicine of Seville (IBIS), University Hospital Virgen del Rocío/CSIC/University of Seville.
Classification: Uncertain significance for Hirschsprung disease 1. Last evaluated: 2015-04-01. Review status: no assertion criteria provided. Collection method: research. Allele origin: germline. Affected: yes. Not counted in ClinVar's aggregate classification.

Literature cited by the submitters: PubMed 26559152 (cited by Mayo Clinic Laboratories, Mayo Clinic and Women's Health and Genetics/Laboratory Corporation of America, LabCorp).